The following is an entry in ClinVar:

ClinVar aggregate classification (germline): Likely benign (0 of 4 stars; one submission).

Conditions:
CUL7-related disorder. Also called: CUL7-related condition.

Allele frequency attached by ClinVar (database versions not stated): gnomAD exomes below 0.00001; ExAC 0.00001; TOPMed 0.00001.
gnomAD v4.1: 7 of 1,614,198 alleles (0.00043%); highest among the groups gnomAD compares: Non-Finnish European, 0.00059%; no homozygotes.

Submission:

PreventionGenetics, part of Exact Sciences
Classification: Likely benign for CUL7-related condition. Last evaluated: 2021-07-19. Review status: no assertion criteria provided. Collection method: clinical testing. Allele origin: germline.
Comment: This variant is classified as likely benign based on ACMG/AMP sequence variant interpretation guidelines (Richards et al. 2015 PMID: 25741868, with internal and published modifications).

NM_014780.5(CUL7):c.123T>C (p.Arg41=)

Gene: CUL7 (cullin 7; minus strand). Cytogenetic location: 6p21.1.
Variant type: single nucleotide variant.
Coding change: c.123T>C on transcript NM_014780.5 (MANE Select); coding-DNA position 123, T replaced by C.
Protein change: p.Arg41=; no amino-acid change (arginine 41 retained).
Molecular consequence: synonymous variant.
Genome position (GRCh38, 1-based): chr6:43,052,666, A>G on the plus strand (T>C on the coding strand, the complement: CUL7 is on the minus strand). VCF-style: chr6-43052666-A-G. GRCh37 (hg19) VCF-style: chr6-43020404-A-G.
Other names: c.123T>C, p.Arg41= (NM_001168370.2, NM_001374872.1, NM_001374873.1 and 1 more transcripts).
Identifiers: ClinVar variation 3058226 (VCV003058226.2), dbSNP rs749994280, ClinGen allele CA3814450.